The following is an entry in ClinVar:

NM_003403.5(YY1):c.1114A>G (p.Thr372Ala)

Gene: YY1 (YY1 transcription factor; plus strand). Cytogenetic location: 14q32.2.
Variant type: single nucleotide variant.
Coding change: c.1114A>G on transcript NM_003403.5 (MANE Select); coding-DNA position 1114, A replaced by G.
Protein change: p.Thr372Ala; replaces threonine 372 with alanine.
Molecular consequence: missense variant.
Genome position (GRCh38, 1-based): chr14:100,277,469, A>G. VCF-style: chr14-100277469-A-G. GRCh37 (hg19) VCF-style: chr14-100743806-A-G.
Other names: short protein forms T372A.
Identifiers: ClinVar variation 1053301 (VCV001053301.9), dbSNP rs2139605768, ClinGen allele CA390969416.

ClinVar aggregate classification (germline): Uncertain significance (1 of 4 stars; one submission).

Submission:

Labcorp Genetics (formerly Invitae), Labcorp
Classification: Uncertain significance. Last evaluated: 2018-05-18. Review status: criteria provided, single submitter. Criteria: Invitae Variant Classification Sherloc (09022015). Collection method: clinical testing. Allele origin: germline.
Comment: This variant has not been reported in the literature in individuals with YY1-related disease. This variant is not present in population databases (ExAC no frequency). This sequence change replaces threonine with alanine at codon 372 of the YY1 protein (p.Thr372Ala). The threonine residue is highly conserved and there is a small physicochemical difference between threonine and alanine. Algorithms developed to predict the effect of missense changes on protein structure and function are either unavailable or do not agree on the potential impact of this missense change (SIFT: "Tolerated"; PolyPhen-2: "Probably Damaging"; Align-GVGD: "Class C0"). In summary, the available evidence is currently insufficient to determine the role of this variant in disease. Therefore, it has been classified as a Variant of Uncertain Significance.